The following is an entry in ClinVar:

NM_000293.3(PHKB):c.1205-16T>G

Gene: PHKB (phosphorylase kinase regulatory subunit beta; plus strand). Cytogenetic location: 16q12.1.
Variant type: single nucleotide variant.
Coding change: c.1205-16T>G on transcript NM_000293.3 (MANE Select); 16 bases into the intron before coding-DNA position 1205, T replaced by G.
Molecular consequence: intron variant.
Genome position (GRCh38, 1-based): chr16:47,596,357, T>G. VCF-style: chr16-47596357-T-G. GRCh37 (hg19) VCF-style: chr16-47630268-T-G.
Other names: c.1205-16T>G (NM_001363837.1); c.1184-16T>G (NM_001031835.3).
Identifiers: ClinVar variation 1986692 (VCV001986692.1), dbSNP rs754488707, ClinGen allele CA8040747.

ClinVar aggregate classification (germline): Uncertain significance (1 of 4 stars; one submission).

Conditions:
Glycogen storage disease IXb (GSD9B). Also called: PHOSPHORYLASE KINASE DEFICIENCY OF LIVER AND MUSCLE, AUTOSOMAL RECESSIVE; GLYCOGENOSIS OF LIVER AND MUSCLE, AUTOSOMAL RECESSIVE; GSD IXb. Identifiers: Orphanet 79240, MedGen C0543514, MONDO:0009868, OMIM 261750.

Allele frequency attached by ClinVar (database versions not stated): gnomAD 0.00001; TOPMed 0.00002; gnomAD exomes 0.00003; ExAC 0.00012.
gnomAD v4.1: 46 of 1,552,780 alleles (0.003%); highest among the groups gnomAD compares: Non-Finnish European, 0.0039%; no homozygotes.

Submission:

Labcorp Genetics (formerly Invitae), Labcorp
Classification: Uncertain significance for Glycogen storage disease IXb. Last evaluated: 2022-10-07. Review status: criteria provided, single submitter. Criteria: Invitae Variant Classification Sherloc (09022015). Collection method: clinical testing. Allele origin: germline.
Comment: This sequence change falls in intron 12 of the PHKB gene. It does not directly change the encoded amino acid sequence of the PHKB protein. This variant is present in population databases (rs754488707, gnomAD 0.01%). This variant has not been reported in the literature in individuals affected with PHKB-related conditions. Algorithms developed to predict the effect of sequence changes on RNA splicing suggest that this variant may disrupt the consensus splice site. In summary, the available evidence is currently insufficient to determine the role of this variant in disease. Therefore, it has been classified as a Variant of Uncertain Significance.